The following is an entry in ClinVar:

ClinVar aggregate classification (germline): Conflicting classifications of pathogenicity. Review status: criteria provided, conflicting classifications (1 of 4 stars). 4 submissions from 4 submitters: Uncertain significance (2); Likely benign (2). Last evaluated 2026-06-05.

Conditions:
JAG1-related disorder. Also called: JAG1-related disorders; JAG1-related condition.
Alagille syndrome due to a JAG1 point mutation. Also called: HEPATIC DUCTULAR HYPOPLASIA, SYNDROMATIC; JAG1-Related Alagille Syndrome; Alagille Syndrome 1. Identifiers: Orphanet 261619, Orphanet 52, MedGen C1956125, MONDO:0016862, OMIM 118450.

Allele frequency attached by ClinVar (database versions not stated): gnomAD 0.00001 and 0.00002; gnomAD exomes 0.00004 and 0.00009; TOPMed 0.00004; ExAC 0.00006; 1000 Genomes Project 30x 0.00016; 1000 Genomes Project 0.00020.
gnomAD v4.1: 66 of 1,614,116 alleles (0.0041%); highest among the groups gnomAD compares: Admixed American, 0.032%; no homozygotes.

Submissions (4):

PreventionGenetics, part of Exact Sciences
Classification: Uncertain significance for JAG1-related condition. Last evaluated: 2026-06-05. Review status: criteria provided, single submitter. Criteria: ACMG Guidelines, 2015. Collection method: clinical testing. Allele origin: germline.
Comment: The JAG1 c.1415G>A variant is predicted to result in the amino acid substitution p.Arg472His. This variant has been reported in two individuals from the same family both with features of familial exudative vitreoretinopathy (FEVR; Zhang et al. 2020. PubMed ID: 31273345). Functional studies showed that this variant altered the JAG1 protein (Zhang et al. 2020. PubMed ID: 31273345). This variant is reported in 0.049% of alleles in individuals of Latino descent in gnomAD. At this time, the clinical significance of this variant is uncertain due to the absence of conclusive functional and genetic evidence.

Labcorp Genetics (formerly Invitae), Labcorp
Classification: Likely benign for Alagille syndrome due to a JAG1 point mutation. Last evaluated: 2026-01-01. Review status: criteria provided, single submitter. Criteria: Invitae Variant Classification Sherloc (09022015). Collection method: clinical testing. Allele origin: germline.

Blueprint Genetics
Classification: Likely benign. Last evaluated: 2020-12-15. Review status: criteria provided, single submitter. Criteria: ACMG Guidelines, 2015. Collection method: clinical testing. Allele origin: germline.

Eurofins Ntd Llc (ga)
Classification: Uncertain significance. Last evaluated: 2017-09-07. Review status: criteria provided, single submitter. Criteria: EGL Classification Definitions 2015. Collection method: clinical testing. Allele origin: germline. Observed: 3 variant alleles, 3 heterozygotes.

NM_000214.3(JAG1):c.1415G>A (p.Arg472His)

Gene: JAG1 (jagged canonical Notch ligand 1; minus strand). Cytogenetic location: 20p12.2.
Variant type: single nucleotide variant.
Coding change: c.1415G>A on transcript NM_000214.3 (MANE Select); coding-DNA position 1415, G replaced by A.
Protein change: p.Arg472His; replaces arginine 472 with histidine.
Molecular consequence: missense variant.
Genome position (GRCh38, 1-based): chr20:10,648,703, C>T on the plus strand (G>A on the coding strand, the complement: JAG1 is on the minus strand). VCF-style: chr20-10648703-C-T. GRCh37 (hg19) VCF-style: chr20-10629351-C-T.
Other names: c.1415G>A (NM_000214.2); c.1415G>A, p.Arg472His (LRG_1191t1); short protein forms R472H.
Identifiers: ClinVar variation 498807 (VCV000498807.16), dbSNP rs574349599, ClinGen allele CA9764848.